The following is an entry in ClinVar:

ClinVar aggregate classification (germline): Uncertain significance. Review status: criteria provided, multiple submitters, no conflicts (2 of 4 stars). 2 submissions from 2 submitters: Uncertain significance (2). Last evaluated 2025-06-06.

Conditions:
Inborn genetic diseases. Identifiers: MedGen C0950123, MeSH D030342.

gnomAD v4.1: 2 of 1,614,086 alleles (0.00012%); highest among the groups gnomAD compares: East Asian, 0.0022%; no homozygotes.

Submissions (2):

Ambry Genetics
Classification: Uncertain significance for Inborn genetic diseases. Last evaluated: 2025-06-06. Review status: criteria provided, single submitter. Criteria: Ambry Variant Classification Scheme 2023. Collection method: clinical testing. Allele origin: germline.

Labcorp Genetics (formerly Invitae), Labcorp
Classification: Uncertain significance. Last evaluated: 2025-04-17. Review status: criteria provided, single submitter. Criteria: Invitae Variant Classification Sherloc (09022015). Collection method: clinical testing. Allele origin: germline.
Comment: This sequence change replaces arginine, which is basic and polar, with serine, which is neutral and polar, at codon 613 of the HIVEP2 protein (p.Arg613Ser). This variant is not present in population databases (gnomAD no frequency). This variant has not been reported in the literature in individuals affected with HIVEP2-related conditions. Invitae Evidence Modeling of protein sequence and biophysical properties (such as structural, functional, and spatial information, amino acid conservation, physicochemical variation, residue mobility, and thermodynamic stability) indicates that this missense variant is not expected to disrupt HIVEP2 protein function with a negative predictive value of 80%. In summary, the available evidence is currently insufficient to determine the role of this variant in disease. Therefore, it has been classified as a Variant of Uncertain Significance.

NM_006734.4(HIVEP2):c.1839G>T (p.Arg613Ser)

Gene: HIVEP2 (HIVEP zinc finger 2; minus strand). Cytogenetic location: 6q24.2.
Variant type: single nucleotide variant.
Coding change: c.1839G>T on transcript NM_006734.4 (MANE Select); coding-DNA position 1839, G replaced by T.
Protein change: p.Arg613Ser; replaces arginine 613 with serine.
Molecular consequence: missense variant.
Genome position (GRCh38, 1-based): chr6:142,772,900, C>A on the plus strand (G>T on the coding strand, the complement: HIVEP2 is on the minus strand). VCF-style: chr6-142772900-C-A. GRCh37 (hg19) VCF-style: chr6-143094037-C-A.
Other names: short protein forms R613S.
Identifiers: ClinVar variation 4035394 (VCV004035394.2).